The following is an entry in ClinVar:

NM_004655.4(AXIN2):c.2269C>T (p.His757Tyr)

Gene: AXIN2 (axin 2; minus strand). Cytogenetic location: 17q24.1.
Variant type: single nucleotide variant.
Coding change: c.2269C>T on transcript NM_004655.4 (MANE Select); coding-DNA position 2269, C replaced by T.
Protein change: p.His757Tyr; replaces histidine 757 with tyrosine.
Molecular consequence: missense variant.
Genome position (GRCh38, 1-based): chr17:65,534,048, G>A on the plus strand (C>T on the coding strand, the complement: AXIN2 is on the minus strand). VCF-style: chr17-65534048-G-A. GRCh37 (hg19) VCF-style: chr17-63530166-G-A.
Other names: c.2074C>T, p.His692Tyr (NM_001363813.1); short protein forms H692Y, H757Y.
Identifiers: ClinVar variation 4744250 (VCV004744250.2).

ClinVar aggregate classification (germline): Uncertain significance. Review status: criteria provided, multiple submitters, no conflicts (2 of 4 stars). 2 submissions from 2 submitters: Uncertain significance (2). Last evaluated 2026-07-06.

Conditions:
Oligodontia-cancer predisposition syndrome. Also called: TOOTH AGENESIS-COLORECTAL CANCER SYNDROME. Identifiers: Orphanet 300576, MedGen C1837750, MONDO:0012075, OMIM 608615. Disease mechanism: loss of function.
Hereditary cancer-predisposing syndrome. Also called: Hereditary Cancer Syndrome; Hereditary neoplastic syndrome; Neoplastic Syndromes, Hereditary; Tumor predisposition. Identifiers: Orphanet 140162, MedGen C0027672, MeSH D009386, MONDO:0015356.

Submissions (2):

Ambry Genetics
Classification: Uncertain significance for Hereditary cancer-predisposing syndrome. Last evaluated: 2026-07-06. Review status: criteria provided, single submitter. Criteria: Ambry Variant Classification Scheme 2023. Collection method: clinical testing. Allele origin: germline.
Comment: The p.H757Y variant (also known as c.2269C>T), located in coding exon 9 of the AXIN2 gene, results from a C to T substitution at nucleotide position 2269. The histidine at codon 757 is replaced by tyrosine, an amino acid with similar properties. This amino acid position is conserved. In addition, this alteration is predicted to be tolerated by in silico analysis. Based on the available evidence, the clinical significance of this variant remains unclear.

Labcorp Genetics (formerly Invitae), Labcorp
Classification: Uncertain significance for Oligodontia-cancer predisposition syndrome. Last evaluated: 2025-05-05. Review status: criteria provided, single submitter. Criteria: Invitae Variant Classification Sherloc (09022015). Collection method: clinical testing. Allele origin: germline.
Comment: This sequence change replaces histidine, which is basic and polar, with tyrosine, which is neutral and polar, at codon 757 of the AXIN2 protein (p.His757Tyr). This variant is not present in population databases (gnomAD no frequency). This variant has not been reported in the literature in individuals affected with AXIN2-related conditions. Invitae Evidence Modeling of protein sequence and biophysical properties (such as structural, functional, and spatial information, amino acid conservation, physicochemical variation, residue mobility, and thermodynamic stability) indicates that this missense variant is not expected to disrupt AXIN2 protein function with a negative predictive value of 80%. In summary, the available evidence is currently insufficient to determine the role of this variant in disease. Therefore, it has been classified as a Variant of Uncertain Significance.